The following is an entry in ClinVar:

ClinVar aggregate classification (germline): Conflicting classifications of pathogenicity. Review status: criteria provided, conflicting classifications (1 of 4 stars). 4 submissions from 4 submitters: Uncertain significance (2); Likely benign (2). Last evaluated 2025-11-27.

Allele frequency attached by ClinVar (database versions not stated): 1000 Genomes Project 0.00020; gnomAD exomes 0.00038; gnomAD 0.00039; ExAC 0.00049; ESP Exome Variant Server 0.00058; 1000 Genomes Project 30x 0.00078.

Submissions (4):

Labcorp Genetics (formerly Invitae), Labcorp
Classification: Uncertain significance. Last evaluated: 2025-11-27. Review status: criteria provided, single submitter. Criteria: Invitae Variant Classification Sherloc (09022015). Collection method: clinical testing. Allele origin: germline.
Comment: This sequence change replaces alanine, which is neutral and non-polar, with valine, which is neutral and non-polar, at codon 289 of the ICOSLG protein (p.Ala289Val). This variant is present in population databases (rs199878735, gnomAD 0.07%), and has an allele count higher than expected for a pathogenic variant. This variant has not been reported in the literature in individuals affected with ICOSLG-related conditions. ClinVar contains an entry for this variant (Variation ID: 1372557). An algorithm developed to predict the effect of missense changes on protein structure and function outputs the following: PolyPhen-2: "Benign". The valine amino acid residue is found in multiple mammalian species, which suggests that this missense change does not adversely affect protein function. In summary, the available evidence is currently insufficient to determine the role of this variant in disease. Therefore, it has been classified as a Variant of Uncertain Significance.

Blueprint Genetics
Classification: Likely benign. Last evaluated: 2024-10-24. Review status: criteria provided, single submitter. Criteria: ACMG Guidelines, 2015. Collection method: clinical testing. Allele origin: germline.

Ambry Genetics
Classification: Likely benign. Last evaluated: 2023-02-01. Review status: criteria provided, single submitter. Criteria: Ambry Variant Classification Scheme 2023. Collection method: clinical testing. Allele origin: germline.

Breakthrough Genomics
Classification: Uncertain significance. Review status: criteria provided, single submitter. Criteria: ACMG Guidelines, 2015. Collection method: not provided. Allele origin: germline. Inheritance: Autosomal dominant inheritance. Affected: yes.

NM_015259.6(ICOSLG):c.866C>T (p.Ala289Val)

Gene: ICOSLG (inducible T cell costimulator ligand; minus strand). Cytogenetic location: 21q22.3.
Variant type: single nucleotide variant.
Coding change: c.866C>T on transcript NM_015259.6 (MANE Select); coding-DNA position 866, C replaced by T.
Protein change: p.Ala289Val; replaces alanine 289 with valine.
Molecular consequence: missense variant.
Genome position (GRCh38, 1-based): chr21:44,230,086, G>A on the plus strand (C>T on the coding strand, the complement: ICOSLG is on the minus strand). VCF-style: chr21-44230086-G-A. GRCh37 (hg19) VCF-style: chr21-45649969-G-A.
Other names: c.611C>T, p.Ala204Val (NM_001283052.2); c.785C>T, p.Ala262Val (NM_001365759.2); c.866C>T, p.Ala289Val (NM_001283050.2); c.515C>T, p.Ala172Val (NM_001283051.2); c.866C>T (NM_015259.4); short protein forms A172V, A262V, A289V, A204V.
Identifiers: ClinVar variation 1372557 (VCV001372557.9), dbSNP rs199878735, ClinGen allele CA321495329.
Genomic context (GRCh38, chr21:44,230,086, plus strand): 5'-AACCTGCTGCTTCCCACGGCAAACTCACCAGTGAGCTCTGTCTCCGGACTCACAGCCCAG[G>A]CACCTGGAGGACAAACCAAAATGGTCAGGGCAGCAGCGATGGGGGGTGTCCCTAAAGCCC-3'
Protein context (NP_056074.1, residues 279-299): DRCLQHSYAG[Ala289Val]WAVSPETELT